The following is an entry in ClinVar:

ClinVar aggregate classification (germline): Uncertain significance (1 of 4 stars; one submission).

Conditions:
Regional enteritis. Also called: Enteritis, Granulomatous. Identifiers: MedGen C0678202, MeSH D003424.
Blau syndrome (BLAUS). Also called: ARTHROCUTANEOUVEAL GRANULOMATOSIS; GRANULOMATOSIS, FAMILIAL JUVENILE SYSTEMIC; GRANULOMATOSIS, FAMILIAL, BLAU TYPE; GRANULOMATOUS INFLAMMATORY ARTHRITIS, DERMATITIS, AND UVEITIS, FAMILIAL; JABS SYNDROME. Identifiers: Orphanet 90340, MedGen C5201146, MONDO:0008523, OMIM 186580.

Allele frequency attached by ClinVar (database versions not stated): gnomAD 0.00001; ExAC 0.00007.
gnomAD v4.1: 32 of 1,614,110 alleles (0.002%); highest among the groups gnomAD compares: South Asian, 0.011%; no homozygotes.

Submission:

Labcorp Genetics (formerly Invitae), Labcorp
Classification: Uncertain significance for Regional enteritis; Blau syndrome. Last evaluated: 2023-01-01. Review status: criteria provided, single submitter. Criteria: Invitae Variant Classification Sherloc (09022015). Collection method: clinical testing. Allele origin: germline.
Comment: In summary, the available evidence is currently insufficient to determine the role of this variant in disease. Therefore, it has been classified as a Variant of Uncertain Significance. Advanced modeling of protein sequence and biophysical properties (such as structural, functional, and spatial information, amino acid conservation, physicochemical variation, residue mobility, and thermodynamic stability) performed at Invitae indicates that this missense variant is not expected to disrupt NOD2 protein function. This variant has not been reported in the literature in individuals affected with NOD2-related conditions. This variant is present in population databases (rs760938311, gnomAD 0.01%). This sequence change replaces glycine, which is neutral and non-polar, with serine, which is neutral and polar, at codon 858 of the NOD2 protein (p.Gly858Ser).

NM_001370466.1(NOD2):c.2491G>A (p.Gly831Ser)

Gene: NOD2 (nucleotide binding oligomerization domain containing 2; plus strand). Cytogenetic location: 16q12.1.
Variant type: single nucleotide variant.
Coding change: c.2491G>A on transcript NM_001370466.1 (MANE Select); coding-DNA position 2491, G replaced by A.
Protein change: p.Gly831Ser; replaces glycine 831 with serine.
Molecular consequence: missense variant. On other transcripts: non-coding transcript variant (1).
Genome position (GRCh38, 1-based): chr16:50,716,916, G>A. VCF-style: chr16-50716916-G-A. GRCh37 (hg19) VCF-style: chr16-50750827-G-A.
Other names: c.2491G>A, p.Gly831Ser (NM_001293557.2); c.2572G>A, p.Gly858Ser (NM_022162.3); short protein forms G831S, G858S.
Identifiers: ClinVar variation 2923407 (VCV002923407.3), dbSNP rs760938311, ClinGen allele CA8051846.